The following is an entry in ClinVar:

ClinVar aggregate classification (germline): Uncertain significance (1 of 4 stars; one submission).

gnomAD v4.1: 4 of 1,601,028 alleles (0.00025%); highest among the groups gnomAD compares: African/African-American, 0.0053%; no homozygotes.

Submission:

Labcorp Genetics (formerly Invitae), Labcorp
Classification: Uncertain significance. Last evaluated: 2024-06-11. Review status: criteria provided, single submitter. Criteria: Invitae Variant Classification Sherloc (09022015). Collection method: clinical testing. Allele origin: germline.
Comment: This sequence change replaces lysine, which is basic and polar, with arginine, which is basic and polar, at codon 407 of the KCNQ5 protein (p.Lys407Arg). This variant is not present in population databases (gnomAD no frequency). This variant has not been reported in the literature in individuals affected with KCNQ5-related conditions. An algorithm developed to predict the effect of missense changes on protein structure and function (PolyPhen-2) suggests that this variant is likely to be tolerated. In summary, the available evidence is currently insufficient to determine the role of this variant in disease. Therefore, it has been classified as a Variant of Uncertain Significance.

NM_019842.4(KCNQ5):c.1220A>G (p.Lys407Arg)

Gene: KCNQ5 (potassium voltage-gated channel subfamily Q member 5; plus strand). Cytogenetic location: 6q13.
Variant type: single nucleotide variant.
Coding change: c.1220A>G on transcript NM_019842.4 (MANE Select); coding-DNA position 1220, A replaced by G.
Protein change: p.Lys407Arg; replaces lysine 407 with arginine.
Molecular consequence: missense variant.
Genome position (GRCh38, 1-based): chr6:73,120,577, A>G. VCF-style: chr6-73120577-A-G. GRCh37 (hg19) VCF-style: chr6-73830300-A-G.
Other names: c.1220A>G, p.Asn407Ser (NM_001160130.2, NM_001160132.2); c.1220A>G, p.Lys407Arg (NM_001160133.2, NM_001160134.2); short protein forms K407R, N407S.
Identifiers: ClinVar variation 3687283 (VCV003687283.2).
Genomic context (GRCh38, chr6:73,120,577, plus strand): 5'-CTGTTTCCATTGCAACCTGGAAGCCACACTTGAAGGCCTTGCACACCTGCAGCCCTACCA[A>G]GTAGGTATCAGTGTGACAGCTGCCACTGTAGTTGAGTCTTTTCAAGTCTGTTAAACAAAC-3'
Protein context (NP_062816.2, residues 397-417): LKALHTCSPT[Lys407Arg]KEQGEASSSQ